The following is an entry in ClinVar:

NM_001080467.3(MYO5B):c.2255_2258del (p.Gln752fs)

Gene: MYO5B (myosin VB; minus strand). Cytogenetic location: 18q21.1.
Variant type: Deletion.
Coding change: c.2255_2258del on transcript NM_001080467.3 (MANE Select); coding-DNA positions 2255 to 2258, 4 bases deleted (AGGT; older notation c.2255_2258delAGGT).
Protein change: p.Gln752fs; shifts the reading frame from glutamine 752.
Molecular consequence: frameshift variant.
Genome position (GRCh38, 1-based): chr18:49,906,575-49,906,578, ACCT deleted on the plus strand (AGGT on the coding strand, the reverse complement: MYO5B is on the minus strand). VCF-style (leftmost placement, unchanged base first): chr18-49906574-CACCT-C. GRCh37 (hg19) VCF-style: chr18-47432944-CACCT-C.
Other names: short protein forms Q752fs.
Identifiers: ClinVar variation 5007655 (VCV005007655.2).

ClinVar aggregate classification (germline): Likely pathogenic (1 of 4 stars; one submission).

Conditions:
Congenital microvillous atrophy (DIAR2). Also called: MICROVILLUS ATROPHY, CONGENITAL; Diarrhea 2 with microvillus atrophy, with or without cholestasis; CONGENITAL FAMILIAL PROTRACTED DIARRHEA WITH ENTEROCYTE BRUSH-BORDER ABNORMALITIES; Microvillus inclusion disease; DAVIDSON DISEASE. Identifiers: Orphanet 2290, MedGen C0341306, MONDO:0009635, OMIM 251850.
Cholestasis, progressive familial intrahepatic, 10 (PFIC10). Identifiers: MedGen C5676981, MONDO:0030810, OMIM 619868.

Submission:

Juno Genomics, Hangzhou Juno Genomics, Inc
Classification: Likely pathogenic for Cholestasis, progressive familial intrahepatic, 10; Congenital microvillous atrophy. Review status: criteria provided, single submitter. Criteria: ACMG Guidelines, 2015. Collection method: clinical testing. Allele origin: germline.
Comment: Absent from controls (or at extremely low frequency if recessive) in Genome Aggregation Database.;Null variant in a gene where loss of function (LOF) is a known mechanism of disease.